The following is an entry in ClinVar:

ClinVar aggregate classification (germline): Benign/Likely benign. Review status: criteria provided, multiple submitters, no conflicts (2 of 4 stars). 7 submissions from 7 submitters: Benign (1); Likely benign (4). 2 of the submissions do not count toward it. Last evaluated 2026-08-01.

Conditions:
Inborn genetic diseases. Identifiers: MedGen C0950123, MeSH D030342.

Allele frequency attached by ClinVar (database versions not stated): ESP Exome Variant Server 0.00432; 1000 Genomes Project 0.00459; 1000 Genomes Project 30x 0.00484; gnomAD exomes 0.00055 and 0.00092; ExAC 0.00159; gnomAD 0.00331 and 0.00360; TOPMed 0.00381.

Submissions (7):

CeGaT Center for Human Genetics Tuebingen
Classification: Likely benign. Last evaluated: 2026-08-01. Review status: criteria provided, single submitter. Criteria: CeGaT Center For Human Genetics Tuebingen Variant Classification Criteria Version 2. Collection method: clinical testing. Allele origin: germline. Affected: yes. Observed: 5 variant alleles.
Comment: SHANK3: BP4, BP7, BS1

Blueprint Genetics
Classification: Likely benign. Last evaluated: 2024-10-18. Review status: criteria provided, single submitter. Criteria: ACMG Guidelines, 2015. Collection method: clinical testing. Allele origin: germline.

GeneDx
Classification: Likely benign. Last evaluated: 2021-03-17. Review status: criteria provided, single submitter. Criteria: GeneDx Variant Classification Process June 2021. Collection method: clinical testing. Allele origin: germline. Affected: yes.

Ambry Genetics
Classification: Benign for Inborn genetic diseases. Last evaluated: 2016-07-28. Review status: criteria provided, single submitter. Criteria: Ambry Variant Classification Scheme 2023. Collection method: clinical testing. Allele origin: germline.

Center for Pediatric Genomic Medicine, Children's Mercy Hospital and Clinics
Classification: Likely benign. Last evaluated: 2016-05-19. Review status: criteria provided, single submitter. Criteria: ACMG Guidelines, 2015. Collection method: clinical testing. Allele origin: germline.
ClinVar note: Converted during submission from Likely Benign to Likely benign.

Clinical Genetics DNA and cytogenetics Diagnostics Lab, Erasmus MC, Erasmus Medical Center
Classification: Benign. Review status: no assertion criteria provided. Collection method: clinical testing. Allele origin: germline. Affected: yes. Study: VKGL Data-share Consensus. Not counted in ClinVar's aggregate classification.

Laboratory of Diagnostic Genome Analysis, Leiden University Medical Center (LUMC)
Classification: Likely benign. Review status: no assertion criteria provided. Collection method: clinical testing. Allele origin: germline. Affected: yes. Study: VKGL Data-share Consensus. Not counted in ClinVar's aggregate classification.

NM_001372044.2(SHANK3):c.2028G>A (p.Thr676=)

Genes: SHANK3 (SH3 and multiple ankyrin repeat domains 3; plus strand), LOC126863188 (CDK7 strongly-dependent group 2 enhancer GRCh37_chr22:51142004-51143203; plus strand). Cytogenetic location: 22q13.33.
Variant type: single nucleotide variant.
Coding change: c.2028G>A on transcript NM_001372044.2 (MANE Select); coding-DNA position 2028, G replaced by A.
Protein change: p.Thr676=; no amino-acid change (threonine 676 retained).
Molecular consequence: synonymous variant.
Genome position (GRCh38, 1-based): chr22:50,704,769, G>A. VCF-style: chr22-50704769-G-A. GRCh37 (hg19) VCF-style: chr22-51143197-G-A.
Other names: c.1803G>A, p.Thr601= (NM_033517.1).
Identifiers: ClinVar variation 235319 (VCV000235319.28), dbSNP rs73892912, ClinGen allele CA10325660.